The following is an entry in ClinVar:

NC_000001.10:g.(?_237941946)_(237995947_?)del

Gene: RYR2 (ryanodine receptor 2; plus strand). Cytogenetic location: 1q43.
Variant type: Deletion.
Identifiers: ClinVar variation 2423533 (VCV002423533.3).

ClinVar aggregate classification (germline): Uncertain significance (1 of 4 stars; one submission).

Conditions:
Catecholaminergic polymorphic ventricular tachycardia 1. Also called: VENTRICULAR TACHYCARDIA, CATECHOLAMINERGIC POLYMORPHIC, 1, WITH OR WITHOUT ATRIAL DYSFUNCTION AND/OR DILATED CARDIOMYOPATHY; RYR2-Related Catecholaminergic Polymorphic Ventricular Tachycardia; VENTRICULAR TACHYCARDIA, STRESS-INDUCED POLYMORPHIC 1. Identifiers: Orphanet 3286, MedGen C1631597, MONDO:0011484, OMIM 604772.

Submission:

Labcorp Genetics (formerly Invitae), Labcorp
Classification: Uncertain significance for Catecholaminergic polymorphic ventricular tachycardia 1. Last evaluated: 2022-05-13. Review status: criteria provided, single submitter. Criteria: Invitae Variant Classification Sherloc (09022015). Collection method: clinical testing. Allele origin: germline.
Comment: This variant is a gross deletion of the genomic region encompassing exon(s) 88-105 of the RYR2 gene, which includes the termination codon. This deletion extends beyond the assayed region for this gene and therefore may encompass additional genes. While this deletion is not anticipated to lead to nonsense mediated decay, it is expected to alter mRNA translation or result in a truncated protein product. A similar copy number variant has been observed in individual(s) with RYR2-related conditions (Invitae). Experimental studies and prediction algorithms are not available or were not evaluated, and the functional significance of this variant is currently unknown. In summary, the available evidence is currently insufficient to determine the role of this variant in disease. Therefore, it has been classified as a Variant of Uncertain Significance.